The following is an entry in ClinVar:

ClinVar aggregate classification (germline): Likely pathogenic (1 of 4 stars; one submission).

Conditions:
Cornelia de Lange syndrome 1 (CDLS1). Also called: Brachmann de Lange syndrome; NIPBL-Related Cornelia de Lange Syndrome; TYPUS DEGENERATIVUS AMSTELODAMENSIS. Identifiers: Orphanet 199, MedGen C4551851, MONDO:0007387, OMIM 122470.

Submission:

3billion
Classification: Likely pathogenic for Cornelia de Lange syndrome 1. Last evaluated: 2022-01-03. Review status: criteria provided, single submitter. Criteria: ACMG Guidelines, 2015. Collection method: clinical testing. Allele origin: germline. Affected: yes. Observed: 1 heterozygote.
Comment: Stop-gained (nonsense): predicted to result in a loss or disruption of normal protein function through nonsense-mediated decay (NMD) or protein truncation. Multiple pathogenic variants are reported downstream of the variant (PVS1_VS). It is not observed in the gnomAD v2.1.1 dataset (PM2_M). Therefore, this variant is classified as likely pathogenic according to the recommendation of ACMG/AMP guideline.

NM_133433.4(NIPBL):c.7825G>T (p.Glu2609Ter)

Gene: NIPBL (NIPBL cohesin loading factor; plus strand). Cytogenetic location: 5p13.2.
Variant type: single nucleotide variant.
Coding change: c.7825G>T on transcript NM_133433.4 (MANE Select); coding-DNA position 7825, G replaced by T.
Protein change: p.Glu2609Ter; replaces glutamic acid 2609 with a stop codon.
Molecular consequence: nonsense.
Genome position (GRCh38, 1-based): chr5:37,060,983, G>T. VCF-style: chr5-37060983-G-T. GRCh37 (hg19) VCF-style: chr5-37061085-G-T.
Other names: c.7825G>T, p.Glu2609Ter (NM_015384.5); short protein forms E2609*.
Identifiers: ClinVar variation 1333354 (VCV001333354.1), dbSNP rs2149755613, ClinGen allele CA359519106.